The following is an entry in ClinVar:

ClinVar aggregate classification (germline): Likely benign (0 of 4 stars; one submission).

Conditions:
Muscle tissue disorder. Also called: muscle disorder; Muscle tissue disease; Muscle disorders; Muscular disease. Identifiers: MedGen CN294483, MONDO:0003939.

gnomAD v4.1: 616 of 152,308 alleles (0.4%); highest among the groups gnomAD compares: Non-Finnish European, 0.54%; no homozygotes.

Submission:

Joint Genome Diagnostic Labs from Nijmegen and Maastricht, Radboudumc and MUMC+
Classification: Likely benign for muscle disorder. Review status: no assertion criteria provided. Collection method: clinical testing. Allele origin: germline. Affected: yes.
Comment: Found in cis with pathogenic monoallelic variant

NM_004369.4(COL6A3):c.3071-818G>A

Gene: COL6A3 (collagen type VI alpha 3 chain; minus strand). Cytogenetic location: 2q37.3.
Variant type: single nucleotide variant.
Coding change: c.3071-818G>A on transcript NM_004369.4 (MANE Select); 818 bases into the intron before coding-DNA position 3071, G replaced by A.
Molecular consequence: intron variant.
Genome position (GRCh38, 1-based): chr2:237,375,838, C>T on the plus strand (G>A on the coding strand, the complement: COL6A3 is on the minus strand). VCF-style: chr2-237375838-C-T. GRCh37 (hg19) VCF-style: chr2-238284481-C-T.
Other names: c.1250-818G>A (NM_057166.5); c.2453-818G>A (NM_057167.4, NM_057165.5); c.1850-818G>A (NM_057164.5).
Identifiers: ClinVar variation 3338128 (VCV003338128.1).